The following is an entry in ClinVar:

ClinVar aggregate classification (germline): Likely pathogenic (1 of 4 stars; one submission).

Submission:

GeneDx
Classification: Likely pathogenic. Last evaluated: 2017-05-05. Review status: criteria provided, single submitter. Criteria: GeneDx Variant Classification (06012015). Collection method: clinical testing. Allele origin: germline. Affected: yes.
Comment: The I311N variant in the KCNQ2 gene has not been reported previously as a pathogenic variant, nor as a benign variant, to our knowledge. The I311N variant is not observed in large population cohorts (Lek et al., 2016; 1000 Genomes Consortium et al., 2015; Exome Variant Server). The I311N variant is a non-conservative amino acid substitution, which is likely to impact secondary protein structure as these residues differ in polarity, charge, size and/or other properties. This substitution is predicted to be within the transmembrane segment S6 and occurs at a position that is conserved across species. In silico analysis predicts this variant is probably damaging to the protein structure/function. A different missense change at this residue (I311M) has been reported as pathogenic at GeneDx in association with epileptic encephalopathy. In addition, missense variants in nearby residues (A306T, A306V, A309V, G315R) have been reported in the Human Gene Mutation Database in association with KCNQ2-related disorders (Stenson et al., 2014), supporting the functional importance of this region of the protein. We interpret I311N as a likely pathogenic variant.

NM_172107.4(KCNQ2):c.932T>A (p.Ile311Asn)

Gene: KCNQ2 (potassium voltage-gated channel subfamily Q member 2; minus strand). Cytogenetic location: 20q13.33.
Variant type: single nucleotide variant.
Coding change: c.932T>A on transcript NM_172107.4 (MANE Select); coding-DNA position 932, T replaced by A.
Protein change: p.Ile311Asn; replaces isoleucine 311 with asparagine.
Molecular consequence: missense variant.
Genome position (GRCh38, 1-based): chr20:63,438,716, A>T on the plus strand (T>A on the coding strand, the complement: KCNQ2 is on the minus strand). VCF-style: chr20-63438716-A-T. GRCh37 (hg19) VCF-style: chr20-62070069-A-T.
Other names: c.932T>A, p.Ile311Asn (NM_004518.6, NM_172106.3, NM_172108.5 and 1 more transcripts); short protein forms I311N.
Identifiers: ClinVar variation 429385 (VCV000429385.2), dbSNP rs1131691356, ClinGen allele CA409652339.
Genomic context (GRCh38, chr20:63,438,716, plus strand): 5'-TTCTCAAAGTGCTTCTGCCTGTGCTGCTCCTGAACCTTCAGGGCAAACCCAGACCCCAAG[A>T]TGCCCTGCAATTCATCAGGGTCAGGTCACACCCCAGGGACCCCCCACACCCCAATTCATC-3'
Protein context (NP_742105.1, residues 301-321): GVSFFALPAG[Ile311Asn]LGSGFALKVQ